The following is an entry in ClinVar:

NM_001020658.2(PUM1):c.1109A>G (p.Asp370Gly)

Gene: PUM1 (pumilio RNA binding family member 1; minus strand). Cytogenetic location: 1p35.2.
Variant type: single nucleotide variant.
Coding change: c.1109A>G on transcript NM_001020658.2 (MANE Select); coding-DNA position 1109, A replaced by G.
Protein change: p.Asp370Gly; replaces aspartic acid 370 with glycine.
Molecular consequence: missense variant.
Genome position (GRCh38, 1-based): chr1:30,992,439, T>C on the plus strand (A>G on the coding strand, the complement: PUM1 is on the minus strand). VCF-style: chr1-30992439-T-C. GRCh37 (hg19) VCF-style: chr1-31465286-T-C.
Other names: c.1109A>G, p.Asp370Gly (NM_014676.3); short protein forms D370G.
Identifiers: ClinVar variation 5017887 (VCV005017887.1).

ClinVar aggregate classification (germline): Uncertain significance (1 of 4 stars; one submission).

Submission:

GeneDx
Classification: Uncertain significance. Last evaluated: 2026-03-31. Review status: criteria provided, single submitter. Criteria: GeneDx Variant Classification Process June 2021. Collection method: clinical testing. Allele origin: germline.
Comment: Not observed at significant frequency in large population cohorts (gnomAD); In silico analysis supports that this missense variant has a deleterious effect on protein structure/function; Has not been previously published as pathogenic or benign to our knowledge; In silico analysis suggests this variant may impact gene splicing. In the absence of RNA/functional studies, the actual effect of this sequence change is unknown.